The following is an entry in ClinVar:

NM_003072.5(SMARCA4):c.1619A>G (p.Lys540Arg)

Gene: SMARCA4 (SWI/SNF related BAF chromatin remodeling complex subunit ATPase 4; plus strand). Cytogenetic location: 19p13.2.
Variant type: single nucleotide variant.
Coding change: c.1619A>G on transcript NM_003072.5 (MANE Select); coding-DNA position 1619, A replaced by G.
Protein change: p.Lys540Arg; replaces lysine 540 with arginine.
Molecular consequence: missense variant. On other transcripts: non-coding transcript variant (1).
Genome position (GRCh38, 1-based): chr19:10,996,238, A>G. VCF-style: chr19-10996238-A-G. GRCh37 (hg19) VCF-style: chr19-11106914-A-G.
Other names: c.1619A>G, p.Lys540Arg (NM_001128844.3, NM_001128845.2, NM_001128846.2 and 5 more transcripts); short protein forms K540R.
Identifiers: ClinVar variation 662166 (VCV000662166.8), dbSNP rs778357380, ClinGen allele CA9203847.

ClinVar aggregate classification (germline): Uncertain significance (1 of 4 stars; one submission).

Conditions:
Rhabdoid tumor predisposition syndrome 2 (RTPS2). Identifiers: Orphanet 231108, Orphanet 69077, MedGen C2750074, MONDO:0013224, OMIM 613325.

Allele frequency attached by ClinVar (database versions not stated): gnomAD exomes below 0.00001 and 0.00001; ExAC 0.00001.
gnomAD v4.1: 3 of 1,614,246 alleles (0.00019%); highest among the groups gnomAD compares: South Asian, 0.0033%; no homozygotes.

Submission:

Labcorp Genetics (formerly Invitae), Labcorp
Classification: Uncertain significance for Rhabdoid tumor predisposition syndrome 2. Last evaluated: 2023-11-15. Review status: criteria provided, single submitter. Criteria: Invitae Variant Classification Sherloc (09022015). Collection method: clinical testing. Allele origin: germline.
Comment: This sequence change replaces lysine, which is basic and polar, with arginine, which is basic and polar, at codon 540 of the SMARCA4 protein (p.Lys540Arg). This variant is present in population databases (rs778357380, gnomAD 0.003%). This variant has not been reported in the literature in individuals affected with SMARCA4-related conditions. ClinVar contains an entry for this variant (Variation ID: 662166). Advanced modeling of protein sequence and biophysical properties (such as structural, functional, and spatial information, amino acid conservation, physicochemical variation, residue mobility, and thermodynamic stability) has been performed at Invitae for this missense variant, however the output from this modeling did not meet the statistical confidence thresholds required to predict the impact of this variant on SMARCA4 protein function. In summary, the available evidence is currently insufficient to determine the role of this variant in disease. Therefore, it has been classified as a Variant of Uncertain Significance.